The following is an entry in ClinVar:

ClinVar aggregate classification (germline): Conflicting classifications of pathogenicity. Review status: criteria provided, conflicting classifications (1 of 4 stars). 12 submissions from 12 submitters: Pathogenic (1); Likely pathogenic (4); Uncertain significance (6); Likely benign (1). Last evaluated 2025-12-09.

Conditions:
Retinal dystrophy. Also called: Inherited retinal dystrophy. Identifiers: Orphanet 71862, MedGen C0854723, MeSH D058499, MONDO:0019118, HP:0000556.
USH2A-related disorder. Also called: USH2A-related condition; USH2A-related disorders. Identifiers: MedGen CN239332.
Retinitis pigmentosa 39 (RP39). Identifiers: Orphanet 791, MedGen C3151138, MONDO:0013436, OMIM 613809.
Usher syndrome type 2A. Also called: RETINAL DISEASE IN USHER SYNDROME TYPE IIA, MODIFIER OF; USHER SYNDROME, TYPE IIA. Identifiers: Orphanet 231178, Orphanet 886, MedGen C1848634, MONDO:0010169, OMIM 276901.
Usher syndrome. Also called: Usher Syndromes; Usher's syndrome. Identifiers: Orphanet 886, MedGen CN469326, MeSH D052245, MONDO:0019501. Disease mechanism: loss of function.

Allele frequency attached by ClinVar (database versions not stated): ExAC 0.00010; 1000 Genomes Project 0.00040; 1000 Genomes Project 30x 0.00047; gnomAD 0.00001 and 0.00004; gnomAD exomes 0.00004 and 0.00009; TOPMed 0.00008.
gnomAD v4.1: 60 of 1,612,040 alleles (0.0037%); highest among the groups gnomAD compares: East Asian, 0.12%; no homozygotes.

Submissions (12):

PreventionGenetics, part of Exact Sciences
Classification: Uncertain significance for USH2A-related condition. Last evaluated: 2025-12-09. Review status: criteria provided, single submitter. Criteria: ACMG Guidelines, 2015. Collection method: clinical testing. Allele origin: germline.
Comment: The USH2A c.9259G>A variant is predicted to result in the amino acid substitution p.Val3087Ile. This variant has been reported in individuals with hearing loss, retinal disease, and Usher syndrome (Table S5, Huang et al. 2015. PubMed ID: 25356976; Tables S2 and S3, Zhu et al. 2021. PubMed ID: 32675063; Table S2, Ma et al. 2023. PubMed ID: 36597107). In one report, this variant was reported in the compound heterozygous state to a pathogenic variant in four individuals with Usher syndrome or retinitis pigmentosa; however, detailed segregation data was not presented and in two of the individuals (siblings) this variant was on the same allele as a second uncertain variant p.Tyr4331Cys (Tables S2 and S3, Zhu et al. 2021. PubMed ID: 32675063). This variant is reported in 0.11% of alleles in individuals of East Asian descent in gnomAD. At this time, the clinical significance of this variant is uncertain due to the absence of conclusive functional and genetic evidence.

Labcorp Genetics (formerly Invitae), Labcorp
Classification: Pathogenic. Last evaluated: 2025-10-26. Review status: criteria provided, single submitter. Criteria: Invitae Variant Classification Sherloc (09022015). Collection method: clinical testing. Allele origin: germline.
Comment: This sequence change replaces valine, which is neutral and non-polar, with isoleucine, which is neutral and non-polar, at codon 3087 of the USH2A protein (p.Val3087Ile). This variant is present in population databases (rs200382994, gnomAD 0.1%). This missense change has been observed in individual(s) with USH2A-related conditions (PMID: 25356976, 29625443, 32675063, 33124170). In at least one individual the data is consistent with being in trans (on the opposite chromosome) from a pathogenic variant. ClinVar contains an entry for this variant (Variation ID: 1343767). An algorithm developed to predict the effect of missense changes on protein structure and function outputs the following: PolyPhen-2: "Benign". The isoleucine amino acid residue is found in multiple mammalian species, which suggests that this missense change does not adversely affect protein function. For these reasons, this variant has been classified as Pathogenic.

Natera, Inc.
Classification: Likely pathogenic for Usher syndrome type 2A. Last evaluated: 2025-08-22. Review status: criteria provided, single submitter. Criteria: Natera Variant Classification Schema (03/2026). Collection method: clinical testing. Allele origin: germline.
Comment: The c.9259G>A variant in USH2A is a missense variant predicted to cause substitution of valine to isoleucine at amino acid 3087. This variant is rare in the general population with a frequency below the threshold expected for the associated phenotype(s). This variant has been observed in one or more individuals affected with the associated recessive disease, as either homozygous or compound heterozygous with a second variant (PMID: 23661368, 32675063, 33124170). Given the available evidence, this variant is classified as Likely Pathogenic.

Women's Health and Genetics/Laboratory Corporation of America, LabCorp
Classification: Likely pathogenic for Usher syndrome. Last evaluated: 2025-04-29. Review status: criteria provided, single submitter. Criteria: LabCorp Variant Classification Summary - May 2015. Collection method: clinical testing. Allele origin: germline.
Comment: Variant summary: USH2A c.9259G>A (p.Val3087Ile) results in a conservative amino acid change in the encoded protein sequence. Four of five in-silico tools predict a benign effect of the variant on protein function. Consensus agreement among computation tools predict no significant impact on normal splicing. However, these predictions have yet to be confirmed by functional studies. The variant allele was found at a frequency of 8.8e-05 in 251264 control chromosomes. This frequency is not significantly higher than estimated for a pathogenic variant in USH2A causing Usher Syndrome (8.8e-05 vs 0.011), allowing no conclusion about variant significance. c.9259G>A has been observed in individual(s) affected with Usher Syndrome, Retinitis Pigmentosa, or Deafness (Miyagawa_2013, Huang_2015, Guo_2021, Sun_2018, Zhu_2021, Meng_2021, Ma_2023, Panneman_2023). These data indicate that the variant is likely to be associated with disease. To our knowledge, no experimental evidence demonstrating an impact on protein function has been reported. The following publications have been ascertained in the context of this evaluation (PMID: 33708524, 25356976, 36597107, 33124170, 23967202, 36819107, 29625443, 32675063). ClinVar contains an entry for this variant (Variation ID: 1343767). Based on the evidence outlined above, the variant was classified as likely pathogenic.

Mayo Clinic Laboratories, Mayo Clinic
Classification: Uncertain significance. Last evaluated: 2024-04-05. Review status: criteria provided, single submitter. Criteria: ACMG Guidelines, 2015. Collection method: clinical testing. Allele origin: germline. Observed: 1 variant allele.
Comment: BS1_supporting, BP4, PM3_supporting

Fulgent Genetics
Classification: Likely pathogenic for Usher syndrome type 2A; Retinitis pigmentosa 39. Last evaluated: 2024-03-02. Review status: criteria provided, single submitter. Criteria: ACMG Guidelines, 2015. Collection method: clinical testing. Allele origin: germline.

Revvity Omics, Revvity
Classification: Uncertain significance. Last evaluated: 2024-02-07. Review status: criteria provided, single submitter. Criteria: ACMG Guidelines, 2015. Collection method: clinical testing. Allele origin: germline.

Baylor Genetics
Classification: Uncertain significance for Retinitis pigmentosa 39. Last evaluated: 2023-12-19. Review status: criteria provided, single submitter. Criteria: ACMG Guidelines, 2015. Collection method: clinical testing. Allele origin: unknown.

Dept Of Ophthalmology, Nagoya University
Classification: Likely benign for Retinal dystrophy. Last evaluated: 2023-10-01. Review status: criteria provided, single submitter. Criteria: Submitter's publication. Collection method: research. Allele origin: germline. Affected: yes.

Blueprint Genetics
Classification: Uncertain significance. Last evaluated: 2023-07-03. Review status: criteria provided, single submitter. Criteria: ACMG Guidelines, 2015. Collection method: clinical testing. Allele origin: germline.

GeneDx
Classification: Uncertain significance. Last evaluated: 2023-04-11. Review status: criteria provided, single submitter. Criteria: GeneDx Variant Classification Process June 2021. Collection method: clinical testing. Allele origin: germline. Affected: yes.
Comment: In silico analysis supports that this missense variant does not alter protein structure/function; This variant is associated with the following publications: (PMID: 30245029, 23967202, 25356976, 29625443, 32188678, 33124170, 33708524, 32675063)

Institute of Human Genetics, Univ. Regensburg, Univ. Regensburg
Classification: Likely pathogenic for Retinal dystrophy. Last evaluated: 2021-01-01. Review status: criteria provided, single submitter. Criteria: ACMG Guidelines, 2015. Collection method: clinical testing. Allele origin: germline. Affected: yes.

Literature cited by the submitters: PubMed 25356976 (cited by 4 submitters); PubMed 29625443 (cited by 4 submitters); PubMed 32675063 (cited by 5 submitters); PubMed 33124170 (cited by 5 submitters); PubMed 23661368 (cited by Natera, Inc.); PubMed 23967202 (cited by 3 submitters); PubMed 33708524 (cited by Women's Health and Genetics/Laboratory Corporation of America, LabCorp and Mayo Clinic Laboratories, Mayo Clinic); PubMed 36819107 (cited by 3 submitters); PubMed 36597107 (cited by Women's Health and Genetics/Laboratory Corporation of America, LabCorp and Mayo Clinic Laboratories, Mayo Clinic); PubMed 30245029 (cited by Mayo Clinic Laboratories, Mayo Clinic and Institute of Human Genetics, Univ. Regensburg, Univ. Regensburg); PubMed 32188678 (cited by Mayo Clinic Laboratories, Mayo Clinic and Institute of Human Genetics, Univ. Regensburg, Univ. Regensburg).

NM_206933.4(USH2A):c.9259G>A (p.Val3087Ile)

Gene: USH2A (usherin; minus strand). Cytogenetic location: 1q41.
Variant type: single nucleotide variant.
Coding change: c.9259G>A on transcript NM_206933.4 (MANE Select); coding-DNA position 9259, G replaced by A.
Protein change: p.Val3087Ile; replaces valine 3087 with isoleucine.
Molecular consequence: missense variant.
Genome position (GRCh38, 1-based): chr1:215,838,103, C>T on the plus strand (G>A on the coding strand, the complement: USH2A is on the minus strand). VCF-style: chr1-215838103-C-T. GRCh37 (hg19) VCF-style: chr1-216011445-C-T.
Other names: p.Val3087Ile; c.9259G>A (NM_206933.3); short protein forms V3087I.
Identifiers: ClinVar variation 1343767 (VCV001343767.18), dbSNP rs200382994, ClinGen allele CA1394364.